The following is an entry in ClinVar:

ClinVar aggregate classification (germline): Uncertain significance. Review status: criteria provided, multiple submitters, no conflicts (2 of 4 stars). 3 submissions from 3 submitters: Uncertain significance (3). Last evaluated 2025-11-24.

Conditions:
Renal cell carcinoma. Identifiers: Orphanet 217071, MedGen C0007134, MeSH D002292, MONDO:0005086, HP:0005584.
Hereditary cancer-predisposing syndrome. Also called: Neoplastic Syndromes, Hereditary; Hereditary neoplastic syndrome; Hereditary Cancer Syndrome; Tumor predisposition. Identifiers: Orphanet 140162, MedGen C0027672, MeSH D009386, MONDO:0015356.

Allele frequency attached by ClinVar (database versions not stated): gnomAD exomes below 0.00001.
gnomAD v4.1: 3 of 1,613,250 alleles (0.00019%); highest among the groups gnomAD compares: Non-Finnish European, 0.00025%; no homozygotes.

Submissions (3):

Labcorp Genetics (formerly Invitae), Labcorp
Classification: Uncertain significance for Renal cell carcinoma. Last evaluated: 2025-11-24. Review status: criteria provided, single submitter. Criteria: Invitae Variant Classification Sherloc (09022015). Collection method: clinical testing. Allele origin: germline.
Comment: This sequence change replaces serine, which is neutral and polar, with arginine, which is basic and polar, at codon 755 of the MET protein (p.Ser755Arg). This variant is not present in population databases (gnomAD no frequency). This variant has not been reported in the literature in individuals affected with MET-related conditions. ClinVar contains an entry for this variant (Variation ID: 1199923). An algorithm developed to predict the effect of missense changes on protein structure and function outputs the following: PolyPhen-2: "Benign". The arginine amino acid residue is found in multiple mammalian species, which suggests that this missense change does not adversely affect protein function. In summary, the available evidence is currently insufficient to determine the role of this variant in disease. Therefore, it has been classified as a Variant of Uncertain Significance.

Ambry Genetics
Classification: Uncertain significance for Hereditary cancer-predisposing syndrome. Last evaluated: 2025-07-16. Review status: criteria provided, single submitter. Criteria: Ambry Variant Classification Scheme 2023. Collection method: clinical testing. Allele origin: germline.

GeneDx
Classification: Uncertain significance. Last evaluated: 2021-05-19. Review status: criteria provided, single submitter. Criteria: GeneDx Variant Classification Process June 2021. Collection method: clinical testing. Allele origin: germline. Affected: yes.
Comment: Not observed in large population cohorts (Lek 2016); In silico analysis supports that this missense variant has a deleterious effect on protein structure/function; Has not been previously published as pathogenic or benign to our knowledge

NM_000245.4(MET):c.2263A>C (p.Ser755Arg)

Gene: MET (MET proto-oncogene, receptor tyrosine kinase; plus strand). Cytogenetic location: 7q31.2.
Variant type: single nucleotide variant.
Coding change: c.2263A>C on transcript NM_000245.4 (MANE Select); coding-DNA position 2263, A replaced by C.
Protein change: p.Ser755Arg; replaces serine 755 with arginine.
Molecular consequence: missense variant.
Genome position (GRCh38, 1-based): chr7:116,758,619, A>C. VCF-style: chr7-116758619-A-C. GRCh37 (hg19) VCF-style: chr7-116398673-A-C.
Other names: c.2263A>C, p.Ser755Arg (NM_001127500.3, NM_001324401.3); c.973A>C, p.Ser325Arg (NM_001324402.2); short protein forms S325R, S755R.
Identifiers: ClinVar variation 1199923 (VCV001199923.16), dbSNP rs981401332, ClinGen allele CA164894406.
Genomic context (GRCh38, chr7:116,758,619, plus strand): 5'-ATCTTCAGTTACCGTGAAGATCCCATTGTCTATGAAATTCATCCAACCAAATCTTTTATT[A>C]GGTAAGTAGAAGCTTCTGATGGGTATAAGAAAACAATGAATACAAGGATGATTTTGCTGT-3'
Protein context (NP_000236.2, residues 745-765): YEIHPTKSFI[Ser755Arg]GGSTITGVGK